The following is an entry in ClinVar:

NM_014363.6(SACS):c.9663G>T (p.Val3221=)

Gene: SACS (sacsin molecular chaperone; minus strand). Cytogenetic location: 13q12.12.
Variant type: single nucleotide variant.
Coding change: c.9663G>T on transcript NM_014363.6 (MANE Select); coding-DNA position 9663, G replaced by T.
Protein change: p.Val3221=; no amino-acid change (valine 3221 retained).
Molecular consequence: synonymous variant.
Genome position (GRCh38, 1-based): chr13:23,334,213, C>A on the plus strand (G>T on the coding strand, the complement: SACS is on the minus strand). VCF-style: chr13-23334213-C-A. GRCh37 (hg19) VCF-style: chr13-23908352-C-A.
Other names: c.9222G>T, p.Val3074= (NM_001278055.2).
Identifiers: ClinVar variation 3571740 (VCV003571740.1).
Genomic context (GRCh38, chr13:23,334,213, plus strand): 5'-CTCACTTGCAAAATTGTCTTTCCACTTTGTGCAACTTTTGGTCTTATATTCTCGAGGCAA[C>A]ACAGAGGATAACAAATCAGCAAAGCTGGAAATGTCAAACACTTTTGCAACTTTACAGTTC-3'
Protein context (NP_055178.3, residues 3211-3231): ISSFADLLSS[Val3221=]LPREYKTKSC

ClinVar aggregate classification (germline): Uncertain significance (1 of 4 stars; one submission).

Submission:

Athena Diagnostics
Classification: Uncertain significance. Last evaluated: 2024-01-05. Review status: criteria provided, single submitter. Criteria: Athena Diagnostics Criteria. Collection method: clinical testing. Allele origin: unknown.
Comment: Available data are insufficient to determine the clinical significance of the variant at this time. This variant has not been reported in large, multi-ethnic general populations. Computational tools yielded predictions that this variant is unlikely to have an effect on normal RNA splicing.